The following is an entry in ClinVar:

ClinVar aggregate classification (germline): Conflicting classifications of pathogenicity. Review status: criteria provided, conflicting classifications (1 of 4 stars). 4 submissions from 4 submitters: Uncertain significance (1); Likely benign (2). 1 of the submissions does not count toward it. Last evaluated 2025-12-03.

Conditions:
RAF1-related disorder. Also called: RAF1-related disorders; RAF1-related condition.
Noonan syndrome 5 (NS5). Also called: RAF1-Related Noonan Syndrome. Identifiers: Orphanet 648, MedGen C1969057, MONDO:0012690, OMIM 611553. Disease mechanism: gain of function.
LEOPARD syndrome 2 (LPRD2). Also called: RAF1-Related LEOPARD Syndrome. Identifiers: Orphanet 500, MedGen C1969056, MONDO:0012691, OMIM 611554.
RASopathy. Also called: rasopathies; Noonan spectrum disorder. Identifiers: Orphanet 536391, MedGen C5555857, MONDO:0021060.

Allele frequency attached by ClinVar (database versions not stated): gnomAD 0.00001; gnomAD exomes 0.00001; ExAC 0.00002.
gnomAD v4.1: 13 of 1,614,092 alleles (0.00081%); highest among the groups gnomAD compares: Middle Eastern, 0.016%; no homozygotes.

Submissions (4):

Labcorp Genetics (formerly Invitae), Labcorp
Classification: Likely benign for RASopathy. Last evaluated: 2025-12-03. Review status: criteria provided, single submitter. Criteria: Invitae Variant Classification Sherloc (09022015). Collection method: clinical testing. Allele origin: germline.

PreventionGenetics, part of Exact Sciences
Classification: Uncertain significance for RAF1-related condition. Last evaluated: 2025-06-26. Review status: criteria provided, single submitter. Criteria: ACMG Guidelines, 2015. Collection method: clinical testing. Allele origin: germline.
Comment: The RAF1 c.61G>A variant is predicted to result in the amino acid substitution p.Val21Met. This variant has been reported in an individual with a congenital auricular deformity (Table S1, Xiao et al. 2023. PubMed ID: 37938362). This variant is reported in 0.0098% of alleles in individuals of South Asian descent in gnomAD. At this time, the clinical significance of this variant is uncertain due to the absence of conclusive functional and genetic evidence.

Laboratorio de Genetica e Diagnostico Molecular, Hospital Israelita Albert Einstein
Classification: Likely benign. Last evaluated: 2021-09-04. Review status: criteria provided, single submitter. Criteria: ACMG Guidelines, 2015. Collection method: clinical testing. Allele origin: germline. Affected: yes.
Comment: ACMG classification criteria: BS2, BP4

Center for Molecular Medicine, Children’s Hospital of Fudan University
Classification: Likely pathogenic for LEOPARD syndrome 2; Noonan syndrome 5. Last evaluated: 2020-07-07. Review status: no assertion criteria provided. Collection method: clinical testing. Allele origin: de novo. Affected: yes. Not counted in ClinVar's aggregate classification.

NM_002880.4(RAF1):c.61G>A (p.Val21Met)

Gene: RAF1 (Raf-1 proto-oncogene, serine/threonine kinase; minus strand). Cytogenetic location: 3p25.2.
Variant type: single nucleotide variant.
Coding change: c.61G>A on transcript NM_002880.4 (MANE Select); coding-DNA position 61, G replaced by A.
Protein change: p.Val21Met; replaces valine 21 with methionine.
Molecular consequence: missense variant. On other transcripts: 5 prime UTR variant (4), non-coding transcript variant (3).
Genome position (GRCh38, 1-based): chr3:12,618,661, C>T on the plus strand (G>A on the coding strand, the complement: RAF1 is on the minus strand). VCF-style: chr3-12618661-C-T. GRCh37 (hg19) VCF-style: chr3-12660160-C-T.
Other names: c.61G>A, p.Val21Met (NM_001354689.3, NM_001354690.3, NM_001354693.3); c.-70G>A (NM_001354691.3, NM_001354692.3, NM_001354694.3 and 1 more transcripts); short protein forms V21M.
Identifiers: ClinVar variation 978721 (VCV000978721.11), dbSNP rs752484962, ClinGen allele CA2259844.